The following is an entry in ClinVar:

ClinVar aggregate classification (germline): Uncertain significance (1 of 4 stars; one submission).

gnomAD v4.1: 1 of 1,556,446 alleles (0.000064%); highest among the groups gnomAD compares: East Asian, 0.0024%; no homozygotes.

Submission:

CeGaT Center for Human Genetics Tuebingen
Classification: Uncertain significance. Last evaluated: 2026-09-01. Review status: criteria provided, single submitter. Criteria: CeGaT Center For Human Genetics Tuebingen Variant Classification Criteria Version 2. Collection method: clinical testing. Allele origin: germline. Affected: yes. Observed: 1 variant allele.
Comment: TRIO: PM2, BP4

NM_007118.4(TRIO):c.5204-7C>T

Gene: TRIO (trio Rho guanine nucleotide exchange factor; plus strand). Cytogenetic location: 5p15.2.
Variant type: single nucleotide variant.
Coding change: c.5204-7C>T on transcript NM_007118.4 (MANE Select); 7 bases into the intron before coding-DNA position 5204, C replaced by T.
Molecular consequence: intron variant.
Genome position (GRCh38, 1-based): chr5:14,461,012, C>T. VCF-style: chr5-14461012-C-T. GRCh37 (hg19) VCF-style: chr5-14461121-C-T.
Identifiers: ClinVar variation 5041630 (VCV005041630.1).